The following is an entry in ClinVar:

ClinVar aggregate classification (germline): Uncertain significance. Review status: criteria provided, multiple submitters, no conflicts (2 of 4 stars). 2 submissions from 2 submitters: Uncertain significance (2). Last evaluated 2024-09-08.

Conditions:
Hereditary cancer-predisposing syndrome. Also called: Neoplastic Syndromes, Hereditary; Tumor predisposition; Hereditary Cancer Syndrome; Hereditary neoplastic syndrome. Identifiers: Orphanet 140162, MedGen C0027672, MeSH D009386, MONDO:0015356.
Familial adenomatous polyposis 1 (FAP1). Also called: POLYPOSIS, ADENOMATOUS INTESTINAL; FAMILIAL ADENOMATOUS POLYPOSIS 1, ATTENUATED. Identifiers: MedGen C2713442, MONDO:0021056, OMIM 175100. Disease mechanism: loss of function.

Submissions (2):

Ambry Genetics
Classification: Uncertain significance for Hereditary cancer-predisposing syndrome. Last evaluated: 2024-09-08. Review status: criteria provided, single submitter. Criteria: Ambry Variant Classification Scheme 2023. Collection method: clinical testing. Allele origin: germline.
Comment: The p.E2089K variant (also known as c.6265G>A), located in coding exon 15 of the APC gene, results from a G to A substitution at nucleotide position 6265. The glutamic acid at codon 2089 is replaced by lysine, an amino acid with similar properties. This amino acid position is conserved. In addition, in silico predictors for this gene do not accurately predict pathogenicity. Based on the available evidence, the clinical significance of this variant remains unclear.

Labcorp Genetics (formerly Invitae), Labcorp
Classification: Uncertain significance for Familial adenomatous polyposis 1. Last evaluated: 2018-12-18. Review status: criteria provided, single submitter. Criteria: Invitae Variant Classification Sherloc (09022015). Collection method: clinical testing. Allele origin: germline.
Comment: In summary, the available evidence is currently insufficient to determine the role of this variant in disease. Therefore, it has been classified as a Variant of Uncertain Significance. Algorithms developed to predict the effect of missense changes on protein structure and function are either unavailable or do not agree on the potential impact of this missense change (SIFT: "Tolerated"; PolyPhen-2: "Probably Damaging"; Align-GVGD: "Class C15"). This variant has not been reported in the literature in individuals with APC-related conditions. This variant is not present in population databases (ExAC no frequency). This sequence change replaces glutamic acid with lysine at codon 2089 of the APC protein (p.Glu2089Lys). The glutamic acid residue is highly conserved and there is a small physicochemical difference between glutamic acid and lysine.

NM_000038.6(APC):c.6265G>A (p.Glu2089Lys)

Gene: APC (APC regulator of Wnt signaling pathway; plus strand). Cytogenetic location: 5q22.2.
Variant type: single nucleotide variant.
Coding change: c.6265G>A on transcript NM_000038.6 (MANE Select); coding-DNA position 6265, G replaced by A.
Protein change: p.Glu2089Lys; replaces glutamic acid 2089 with lysine.
Molecular consequence: missense variant.
Genome position (GRCh38, 1-based): chr5:112,841,859, G>A. VCF-style: chr5-112841859-G-A. GRCh37 (hg19) VCF-style: chr5-112177556-G-A.
Other names: c.6265G>A, p.Glu2089Lys (NM_001127510.3, NM_001354895.2); c.6211G>A, p.Glu2071Lys (NM_001127511.3); c.6319G>A, p.Glu2107Lys (NM_001354896.2); c.6295G>A, p.Glu2099Lys (NM_001354897.2); c.6190G>A, p.Glu2064Lys (NM_001354898.2); c.6181G>A, p.Glu2061Lys (NM_001354899.2); c.6142G>A, p.Glu2048Lys (NM_001354900.2); c.6088G>A, p.Glu2030Lys (NM_001354901.2); and 5 more; short protein forms E1998K, E2030K, E2061K, E2064K, E1929K, E1988K, E2099K, E1806K.
Identifiers: ClinVar variation 652175 (VCV000652175.11), dbSNP rs1580669160, ClinGen allele CA16035048.